The following is an entry in ClinVar:

NM_007186.6(CEP250):c.1388+10C>T

Genes: CEP250 (centrosomal protein 250; plus strand), CEP250-AS1 (CEP250 antisense RNA 1; minus strand). Cytogenetic location: 20q11.22.
Variant type: single nucleotide variant.
Coding change: c.1388+10C>T on transcript NM_007186.6 (MANE Select); 10 bases into the intron after coding-DNA position 1388, C replaced by T.
Molecular consequence: intron variant.
Genome position (GRCh38, 1-based): chr20:35,473,562, C>T. VCF-style: chr20-35473562-C-T. GRCh37 (hg19) VCF-style: chr20-34061387-C-T.
Other names: c.-512+10C>T (NM_001318219.1); c.1388+10C>T (NM_007186.5).
Identifiers: ClinVar variation 1087919 (VCV001087919.11), dbSNP rs202070155, ClinGen allele CA9832903.

ClinVar aggregate classification (germline): Likely benign. Review status: criteria provided, multiple submitters, no conflicts (2 of 4 stars). 3 submissions from 3 submitters: Likely benign (3). Last evaluated 2026-07-20.

Conditions:
CEP250-related disorder. Also called: CEP250-related condition.

Allele frequency attached by ClinVar (database versions not stated): gnomAD exomes 0.00002 and 0.00003; TOPMed 0.00002; ExAC 0.00003; gnomAD 0.00003 and 0.00004.
gnomAD v4.1: 28 of 1,601,142 alleles (0.0017%); highest among the groups gnomAD compares: African/African-American, 0.016%; no homozygotes.

Submissions (3):

PreventionGenetics, part of Exact Sciences
Classification: Likely benign for CEP250-related condition. Last evaluated: 2026-07-20. Review status: criteria provided, single submitter. Criteria: ACMG Guidelines, 2015. Collection method: clinical testing. Allele origin: germline.
Comment: This variant is classified as likely benign based on ACMG/AMP sequence variant interpretation guidelines (Richards et al. 2015 PMID: 25741868, with internal and published modifications).

Labcorp Genetics (formerly Invitae), Labcorp
Classification: Likely benign. Last evaluated: 2024-12-12. Review status: criteria provided, single submitter. Criteria: Invitae Variant Classification Sherloc (09022015). Collection method: clinical testing. Allele origin: germline.

Blueprint Genetics
Classification: Likely benign. Last evaluated: 2024-11-27. Review status: criteria provided, single submitter. Criteria: ACMG Guidelines, 2015. Collection method: clinical testing. Allele origin: germline.